The following is an entry in ClinVar:

ClinVar aggregate classification (germline): Uncertain significance (1 of 4 stars; one submission).

Conditions:
Autosomal dominant nonsyndromic hearing loss 6 (LFSNHL). Also called: DEAFNESS, AUTOSOMAL DOMINANT 6; DEAFNESS, AUTOSOMAL DOMINANT 14; DEAFNESS, AUTOSOMAL DOMINANT 38; Autosomal dominant nonsyndromic deafness 6. Identifiers: Orphanet 90635, MedGen C1833021, MONDO:0010963, OMIM 600965.

Submission:

Precision Medicine Center, Zhengzhou University
Classification: Uncertain significance for Autosomal dominant nonsyndromic hearing loss 6. Last evaluated: 2006-06-30. Review status: criteria provided, single submitter. Criteria: ClinGen HL ACMG Specifications v1. Collection method: clinical testing. Allele origin: maternal. Affected: yes.
Comment: PM2+PP1+PP3:The WFS1 c.1424C>A variant is absent or extremely rare in population databases (PM2) and is predicted to be deleterious by multiple in silico tools (PP3). The variant also shows co-segregation with disease in affected family members (PP1), supporting its involvement in disease. Based on ACMG/AMP guidelines, this variant is classified as a Variant of Uncertain Significance (VUS).

NM_006005.3(WFS1):c.1424C>A (p.Pro475His)

Gene: WFS1 (wolframin ER transmembrane glycoprotein; plus strand). Cytogenetic location: 4p16.1.
Variant type: single nucleotide variant.
Coding change: c.1424C>A on transcript NM_006005.3 (MANE Select); coding-DNA position 1424, C replaced by A.
Protein change: p.Pro475His; replaces proline 475 with histidine.
Molecular consequence: missense variant.
Genome position (GRCh38, 1-based): chr4:6,301,219, C>A. VCF-style: chr4-6301219-C-A. GRCh37 (hg19) VCF-style: chr4-6302946-C-A.
Other names: c.1424C>A, p.Pro475His (NM_001145853.1); short protein forms P475H.
Identifiers: ClinVar variation 4857388 (VCV004857388.1).